The following is an entry in ClinVar:

NM_001042492.3(NF1):c.638T>C (p.Ile213Thr)

Gene: NF1 (neurofibromin 1; plus strand). Cytogenetic location: 17q11.2.
Variant type: single nucleotide variant.
Coding change: c.638T>C on transcript NM_001042492.3 (MANE Select); coding-DNA position 638, T replaced by C.
Protein change: p.Ile213Thr; replaces isoleucine 213 with threonine.
Molecular consequence: missense variant.
Genome position (GRCh38, 1-based): chr17:31,181,473, T>C. VCF-style: chr17-31181473-T-C. GRCh37 (hg19) VCF-style: chr17-29508491-T-C.
Other names: c.638T>C, p.Ile213Thr (NM_000267.4, NM_001128147.3); short protein forms I213T.
Identifiers: ClinVar variation 1753232 (VCV001753232.3), dbSNP rs2544747896, ClinGen allele CA398989434.

ClinVar aggregate classification (germline): Uncertain significance. Review status: criteria provided, multiple submitters, no conflicts (2 of 4 stars). 2 submissions from 2 submitters: Uncertain significance (2). Last evaluated 2024-04-02.

Conditions:
Cardiovascular phenotype. Identifiers: MedGen CN230736.
Hereditary cancer-predisposing syndrome. Also called: Neoplastic Syndromes, Hereditary; Tumor predisposition; Hereditary Cancer Syndrome; Hereditary neoplastic syndrome. Identifiers: Orphanet 140162, MedGen C0027672, MeSH D009386, MONDO:0015356.

Allele frequency attached by ClinVar (database versions not stated): gnomAD exomes below 0.00001.
gnomAD v4.1: 3 of 1,613,590 alleles (0.00019%); highest among the groups gnomAD compares: Non-Finnish European, 0.00025%; no homozygotes.

Submissions (2):

GeneDx
Classification: Uncertain significance. Last evaluated: 2024-04-02. Review status: criteria provided, single submitter. Criteria: GeneDx Variant Classification Process June 2021. Collection method: clinical testing. Allele origin: germline. Affected: yes.
Comment: Not observed at significant frequency in large population cohorts (gnomAD); In silico analysis supports that this missense variant has a deleterious effect on protein structure/function; Has not been previously published as pathogenic or benign to our knowledge

Ambry Genetics
Classification: Uncertain significance for Cardiovascular phenotype; Hereditary cancer-predisposing syndrome. Last evaluated: 2020-03-25. Review status: criteria provided, single submitter. Criteria: Ambry Variant Classification Scheme 2023. Collection method: clinical testing. Allele origin: germline.
Comment: The p.I213T variant (also known as c.638T>C), located in coding exon 6 of the NF1 gene, results from a T to C substitution at nucleotide position 638. The isoleucine at codon 213 is replaced by threonine, an amino acid with similar properties. This amino acid position is highly conserved in available vertebrate species. In addition, this alteration is predicted to be deleterious by in silico analysis. Since supporting evidence is limited at this time, the clinical significance of this alteration remains unclear.